The following is an entry in ClinVar:

NM_001130987.2(DYSF):c.3378_3385delinsCACTGGAGAAGACGGGGCC (p.Val1127fs)

Gene: DYSF (dysferlin; plus strand). Cytogenetic location: 2p13.2.
Variant type: Indel.
Coding change: c.3378_3385delinsCACTGGAGAAGACGGGGCC on transcript NM_001130987.2 (MANE Select); coding-DNA positions 3378 to 3385, TGTGTTTG replaced by CACTGGAGAAGACGGGGCC.
Protein change: p.Val1127fs; shifts the reading frame from valine 1127.
Molecular consequence: frameshift variant.
Genome position (GRCh38, 1-based): chr2:71,574,347-71,574,354, TGTGTTTG replaced by CACTGGAGAAGACGGGGCC. VCF-style: chr2-71574347-TGTGTTTG-CACTGGAGAAGACGGGGCC. GRCh37 (hg19) VCF-style: chr2-71801477-TGTGTTTG-CACTGGAGAAGACGGGGCC.
Other names: c.3324_3331delinsCACTGGAGAAGACGGGGCC, p.Val1109fs (NM_003494.4, NM_001130978.2); c.3375_3382delinsCACTGGAGAAGACGGGGCC, p.Val1126fs (NM_001130980.2, NM_001130981.2); c.3420_3427delinsCACTGGAGAAGACGGGGCC, p.Val1141fs (NM_001130982.2); c.3327_3334delinsCACTGGAGAAGACGGGGCC, p.Val1110fs (NM_001130983.2, NM_001130455.2); c.3285_3292delinsCACTGGAGAAGACGGGGCC, p.Val1096fs (NM_001130984.2, NM_001130986.2); c.3378_3385delinsCACTGGAGAAGACGGGGCC, p.Val1127fs (NM_001130985.2); c.3282_3289delinsCACTGGAGAAGACGGGGCC, p.Val1095fs (NM_001130976.2, NM_001130977.2); c.3417_3424delinsCACTGGAGAAGACGGGGCC, p.Val1140fs (NM_001130979.2); short protein forms V1126fs, V1141fs, V1095fs, V1110fs, V1127fs, V1096fs, V1109fs, V1140fs.
Identifiers: ClinVar variation 3649295 (VCV003649295.2).
Genomic context (GRCh38, chr2:71,574,347, plus strand): 5'-CTTCCGCCGCCGCCGCTGGCGCCGTCGCATGGAGCCACTGGAGAAGACGGGGCCTGCAGC[TGTGTTTG>CACTGGAGAAGACGGGGCC]CCCTTGAGGGGGCCCTGGTATGTGGGGCTGCACTTGTCCTGGCTTGGGTAGGGTATATCT-3'

ClinVar aggregate classification (germline): Pathogenic (1 of 4 stars; one submission).

Conditions:
Neuromuscular disease caused by qualitative or quantitative defects of dysferlin. Also called: Dysferlinopathy; Qualitative or quantitative defects of dysferlin. Identifiers: Orphanet 207073, MedGen C2931687, MONDO:0016145.

Submission:

Labcorp Genetics (formerly Invitae), Labcorp
Classification: Pathogenic for Neuromuscular disease caused by qualitative or quantitative defects of dysferlin. Last evaluated: 2024-04-09. Review status: criteria provided, single submitter. Criteria: Invitae Variant Classification Sherloc (09022015). Collection method: clinical testing. Allele origin: germline.
Comment: This sequence change creates a premature translational stop signal (p.Val1109Thrfs*15) in the DYSF gene. It is expected to result in an absent or disrupted protein product. Loss-of-function variants in DYSF are known to be pathogenic (PMID: 17698709, 20301480). This variant is not present in population databases (gnomAD no frequency). This variant has not been reported in the literature in individuals affected with DYSF-related conditions. For these reasons, this variant has been classified as Pathogenic.

Literature cited by the submitters: PubMed 17698709; PubMed 20301480.